The following is an entry in ClinVar:

ClinVar aggregate classification (germline): Pathogenic (1 of 4 stars; one submission).

Conditions:
Legius syndrome. Identifiers: Orphanet 137605, MedGen C1969623, MONDO:0012669, OMIM 611431. Disease mechanism: loss of function.

Submission:

Labcorp Genetics (formerly Invitae), Labcorp
Classification: Pathogenic for Legius syndrome. Last evaluated: 2020-10-27. Review status: criteria provided, single submitter. Criteria: Invitae Variant Classification Sherloc (09022015). Collection method: clinical testing. Allele origin: germline.
Comment: Algorithms developed to predict the effect of sequence changes on RNA splicing suggest that this variant may create or strengthen a splice site, but this prediction has not been confirmed by published transcriptional studies. This variant has not been reported in the literature in individuals with SPRED1-related conditions. This variant is not present in population databases (ExAC no frequency). This sequence change creates a premature translational stop signal (p.Ser392*) in the SPRED1 gene. While this is not anticipated to result in nonsense mediated decay, it is expected to disrupt the last 53 amino acid(s) of the SPRED1 protein. This variant disrupts the C-terminus of the SPRED1 protein. Other variant(s) that disrupt this region (p.Cys418Alafs*6) have been determined to be pathogenic (PMID: 19920235). This suggests that variants that disrupt this region of the protein are likely to be causative of disease. For these reasons, this variant has been classified as Pathogenic.

Literature cited by the submitters: PubMed 19920235.

NM_152594.3(SPRED1):c.1175C>A (p.Ser392Ter)

Gene: SPRED1 (sprouty related EVH1 domain containing 1; plus strand). Cytogenetic location: 15q14.
Variant type: single nucleotide variant.
Coding change: c.1175C>A on transcript NM_152594.3 (MANE Select); coding-DNA position 1175, C replaced by A.
Protein change: p.Ser392Ter; replaces serine 392 with a stop codon.
Molecular consequence: nonsense.
Genome position (GRCh38, 1-based): chr15:38,351,504, C>A. VCF-style: chr15-38351504-C-A. GRCh37 (hg19) VCF-style: chr15-38643705-C-A.
Other names: short protein forms S392*.
Identifiers: ClinVar variation 1389357 (VCV001389357.8), dbSNP rs1345810751, ClinGen allele CA391934432.
Genomic context (GRCh38, chr15:38,351,504, plus strand): 5'-CAGAGAGCATGTTGTATCATTGTATGTCAGACTCAGAGGGAGATTTTTCTGATCCCTGTT[C>A]GTGTGACACTAGCGACGACAAGTTCTGCTTGCGATGGTTAGCCCTGGTAGCTTTGTCTTT-3'